The following is an entry in ClinVar:

ClinVar aggregate classification (germline): Pathogenic/Likely pathogenic. Review status: criteria provided, multiple submitters, no conflicts (2 of 4 stars). 4 submissions from 4 submitters: Pathogenic (3); Likely pathogenic (1). Last evaluated 2025-08-26.

Conditions:
Isovaleryl-CoA dehydrogenase deficiency (IVA). Also called: ISOVALERIC ACID CoA DEHYDROGENASE DEFICIENCY; Isovaleric acidemia; IVD DEFICIENCY; Classic Isovaleric Acidemia. Identifiers: Orphanet 33, MedGen C0268575, MONDO:0009475, OMIM 243500.

Allele frequency attached by ClinVar (database versions not stated): gnomAD exomes below 0.00001.

Submissions (4):

Natera, Inc.
Classification: Pathogenic for Isovaleryl-coa dehydrogenase deficiency. Last evaluated: 2025-08-26. Review status: criteria provided, single submitter. Criteria: Natera Variant Classification Schema (03/2026). Collection method: clinical testing. Allele origin: germline.
Comment: The c.676dupA variant in IVD is a frameshift variant predicted to shift the reading frame beginning at codon 226 and leads to a stop codon 13 codons downstream. This variant is expected to result in nonsense mediated decay, truncation, or a dysfunctional protein product. This variant is rare in the general population with a frequency below the threshold expected for the associated phenotype(s). This variant has been observed in one or more individuals affected with the associated recessive disease, as either homozygous or compound heterozygous with a second variant (PMID: 31442447). Given the available evidence, this variant is classified as Pathogenic.

Fulgent Genetics
Classification: Likely pathogenic for Isovaleryl-CoA dehydrogenase deficiency. Last evaluated: 2024-02-19. Review status: criteria provided, single submitter. Criteria: ACMG Guidelines, 2015. Collection method: clinical testing. Allele origin: germline.

Baylor Genetics
Classification: Pathogenic for Isovaleryl-CoA dehydrogenase deficiency. Last evaluated: 2023-11-14. Review status: criteria provided, single submitter. Criteria: ACMG Guidelines, 2015. Collection method: clinical testing. Allele origin: unknown.

Labcorp Genetics (formerly Invitae), Labcorp
Classification: Pathogenic for Isovaleryl-CoA dehydrogenase deficiency. Last evaluated: 2023-10-04. Review status: criteria provided, single submitter. Criteria: Invitae Variant Classification Sherloc (09022015). Collection method: clinical testing. Allele origin: germline.
Comment: This sequence change creates a premature translational stop signal (p.Thr226Asnfs*13) in the IVD gene. It is expected to result in an absent or disrupted protein product. Loss-of-function variants in IVD are known to be pathogenic (PMID: 16602101). This variant is not present in population databases (gnomAD no frequency). This premature translational stop signal has been observed in individual(s) with isovaleric acidemia (PMID: 31442447). This variant is also known as c.676_677insA (p.T226Nfs*13). For these reasons, this variant has been classified as Pathogenic.

Literature cited by the submitters: PubMed 31442447 (cited by Natera, Inc. and Labcorp Genetics (formerly Invitae), Labcorp); PubMed 16602101 (cited by Labcorp Genetics (formerly Invitae), Labcorp).

NM_002225.5(IVD):c.667dup (p.Thr223fs)

Gene: IVD (isovaleryl-CoA dehydrogenase; plus strand). Cytogenetic location: 15q15.1.
Variant type: Duplication.
Coding change: c.667dup on transcript NM_002225.5 (MANE Select); coding-DNA position 667, one base duplicated (A; older notation c.667dupA).
Protein change: p.Thr223fs; shifts the reading frame from threonine 223.
Molecular consequence: frameshift variant. On other transcripts: non-coding transcript variant (1).
Genome position (GRCh38, 1-based): chr15:40,411,671, A duplicated. VCF-style (leftmost placement, unchanged base first): chr15-40411670-C-CA. GRCh37 (hg19) VCF-style: chr15-40703869-C-CA.
Other names: c.577dup, p.Thr193fs (NM_001159508.3); c.619dup, p.Thr207fs (NM_001354597.3); c.667dup, p.Thr223fs (NM_001354598.3, NM_001354601.3); c.754dup, p.Thr252fs (NM_001354599.3, NM_001354600.3); c.676dupA (NM_002225.3); short protein forms T252fs, T223fs, T207fs, T193fs.
Identifiers: ClinVar variation 2907463 (VCV002907463.6), dbSNP rs2542698265, ClinGen allele CA2627815417.